The following is an entry in ClinVar:

NM_033453.4(ITPA):c.109G>A (p.Ala37Thr)

Gene: ITPA (inosine triphosphatase; plus strand). Cytogenetic location: 20p13.
Variant type: single nucleotide variant.
Coding change: c.109G>A on transcript NM_033453.4 (MANE Select); coding-DNA position 109, G replaced by A.
Protein change: p.Ala37Thr; replaces alanine 37 with threonine.
Molecular consequence: missense variant. On other transcripts: 5 prime UTR variant (1), non-coding transcript variant (2), intron variant (4).
Genome position (GRCh38, 1-based): chr20:3,213,211, G>A. VCF-style: chr20-3213211-G-A. GRCh37 (hg19) VCF-style: chr20-3193857-G-A.
Other names: c.-229G>A (NM_001324237.2); c.109G>A, p.Ala37Thr (NM_001324240.2, NM_001424408.1); c.235G>A, p.Ala79Thr (NM_001424409.1); c.58G>A, p.Ala20Thr (NM_181493.4); c.-274-47G>A (NM_001324238.2, NM_001324236.2, NM_001351739.2); c.67-774G>A (NM_001267623.2); short protein forms A20T, A37T, A79T.
Identifiers: ClinVar variation 2011469 (VCV002011469.4), dbSNP rs2514423982, ClinGen allele CA408076759.

ClinVar aggregate classification (germline): Uncertain significance (1 of 4 stars; one submission).

Conditions:
Inosine triphosphatase deficiency. Also called: INOSINE TRIPHOSPHATE PYROPHOSPHOHYDROLASE DEFICIENCY. Identifiers: MedGen C0342800, MONDO:0013461, OMIM 613850.

Submission:

Labcorp Genetics (formerly Invitae), Labcorp
Classification: Uncertain significance for Inosine triphosphatase deficiency. Last evaluated: 2022-06-27. Review status: criteria provided, single submitter. Criteria: Invitae Variant Classification Sherloc (09022015). Collection method: clinical testing. Allele origin: germline.
Comment: In summary, the available evidence is currently insufficient to determine the role of this variant in disease. Therefore, it has been classified as a Variant of Uncertain Significance. Algorithms developed to predict the effect of missense changes on protein structure and function (SIFT, PolyPhen-2, Align-GVGD) all suggest that this variant is likely to be tolerated. This variant has not been reported in the literature in individuals affected with ITPA-related conditions. This variant is not present in population databases (gnomAD no frequency). This sequence change replaces alanine, which is neutral and non-polar, with threonine, which is neutral and polar, at codon 37 of the ITPA protein (p.Ala37Thr).